The following is an entry in ClinVar:

ClinVar aggregate classification (germline): Likely pathogenic (1 of 4 stars; one submission).

Conditions:
Hyperinsulinemic hypoglycemia, familial, 1 (HHF1). Also called: Persistent hyperinsulinemic hypoglycemia of infancy; HYPERINSULINISM, FAMILIAL, WITH PANCREATIC NESIDIOBLASTOSIS; HYPOGLYCEMIA, HYPERINSULINEMIC, OF INFANCY; NESIDIOBLASTOSIS OF PANCREAS; Persistent Hyperinsulinemia Hypoglycemia of Infancy. Identifiers: Orphanet 276575, Orphanet 276598, MedGen C2931832, MONDO:0009734, OMIM 256450.

Submission:

Myriad Genetics, Inc.
Classification: Likely pathogenic for Hyperinsulinemic hypoglycemia, familial, 1. Last evaluated: 2022-01-02. Review status: criteria provided, single submitter. Criteria: Myriad Women's Health Autosomal Recessive and X-Linked Classification Criteria (2021). Collection method: clinical testing. Allele origin: unknown.
Comment: NM_000352.3(ABCC8):c.4220_4221ins5(D1408Qfs*54) is expected to be pathogenic in the context of familial hyperinsulinism, ABCC8-related. This variant is predicted to lead to an abnormal or absent protein product due to the creation of a premature termination codon in ABCC8, a gene where loss-of-function variants are known to be pathogenic. Please note: this variant was assessed in the context of healthy population screening.

NM_000352.6(ABCC8):c.4220_4221insACAGG (p.Asp1408fs)

Gene: ABCC8 (ATP binding cassette subfamily C member 8; minus strand). Cytogenetic location: 11p15.1.
Variant type: Insertion.
Coding change: c.4220_4221insACAGG on transcript NM_000352.6 (MANE Select); coding-DNA positions 4220 to 4221, ACAGG inserted.
Protein change: p.Asp1408fs; shifts the reading frame from aspartic acid 1408.
Molecular consequence: frameshift variant. On other transcripts: non-coding transcript variant (1).
Genome position: GRCh38 VCF-style: chr11-17395696-A-ACCTGT. GRCh37 (hg19) VCF-style: chr11-17417243-A-ACCTGT.
Other names: c.4223_4224insACAGG, p.Asp1409fs (NM_001287174.3); c.4286_4287insACAGG, p.Asp1430fs (NM_001351295.2); c.4220_4221insACAGG, p.Asp1408fs (NM_001351296.2); c.4217_4218insACAGG, p.Asp1407fs (NM_001351297.2); short protein forms D1407fs, D1408fs, D1409fs, D1430fs.
Identifiers: ClinVar variation 1726804 (VCV001726804.2), dbSNP rs2496450975, ClinGen allele CA2580082815.